The following is an entry in ClinVar:

ClinVar aggregate classification (germline): Uncertain significance (1 of 4 stars; one submission).

Submission:

GeneDx
Classification: Uncertain significance. Last evaluated: 2023-01-13. Review status: criteria provided, single submitter. Criteria: GeneDx Variant Classification Process June 2021. Collection method: clinical testing. Allele origin: germline. Affected: yes.
Comment: Not observed at significant frequency in large population cohorts (gnomAD); In silico analysis supports that this missense variant does not alter protein structure/function; Has not been previously published as pathogenic or benign to our knowledge

NM_001303052.2(MYT1L):c.3214A>C (p.Ile1072Leu)

Gene: MYT1L (myelin transcription factor 1 like; minus strand). Cytogenetic location: 2p25.3.
Variant type: single nucleotide variant.
Coding change: c.3214A>C on transcript NM_001303052.2 (MANE Select); coding-DNA position 3214, A replaced by C.
Protein change: p.Ile1072Leu; replaces isoleucine 1072 with leucine.
Molecular consequence: missense variant.
Genome position (GRCh38, 1-based): chr2:1,801,758, T>G on the plus strand (A>C on the coding strand, the complement: MYT1L is on the minus strand). VCF-style: chr2-1801758-T-G. GRCh37 (hg19) VCF-style: chr2-1805530-T-G.
Other names: c.3214A>C, p.Ile1072Leu (NM_001329844.2, NM_001329845.1, NM_001329851.3); c.3208A>C, p.Ile1070Leu (NM_001329846.3, NM_001329847.2, NM_001329848.1 and 3 more transcripts); short protein forms I1070L, I1072L.
Identifiers: ClinVar variation 2572675 (VCV002572675.1), dbSNP rs2550007983, ClinGen allele CA345735492.